The following is an entry in ClinVar:

NM_001374828.1(ARID1B):c.6315C>A (p.His2105Gln)

Gene: ARID1B (AT-rich interaction domain 1B; plus strand). Cytogenetic location: 6q25.3.
Variant type: single nucleotide variant.
Coding change: c.6315C>A on transcript NM_001374828.1 (MANE Select); coding-DNA position 6315, C replaced by A.
Protein change: p.His2105Gln; replaces histidine 2105 with glutamine.
Molecular consequence: missense variant.
Genome position (GRCh38, 1-based): chr6:157,207,087, C>A. VCF-style: chr6-157207087-C-A. GRCh37 (hg19) VCF-style: chr6-157528221-C-A.
Other names: c.6066C>A, p.His2022Gln (NM_001346813.1); c.3816C>A, p.His1272Gln (NM_001363725.2); c.6195C>A, p.His2065Gln (NM_001371656.1, NM_001374820.1); c.6156C>A, p.His2052Gln (NM_017519.3); c.5946C>A, p.His1982Gln (NM_020732.3); c.5733C>A, p.His1911Gln (NM_175863.2); short protein forms H1911Q, H2065Q, H1272Q, H1982Q, H2022Q, H2052Q, H2105Q.
Identifiers: ClinVar variation 2961773 (VCV002961773.3), dbSNP rs551034452, ClinGen allele CA366247998.

ClinVar aggregate classification (germline): Uncertain significance (1 of 4 stars; one submission).

gnomAD v4.1: 3 of 1,614,210 alleles (0.00019%); highest among the groups gnomAD compares: Non-Finnish European, 0.00025%; no homozygotes.

Submission:

Labcorp Genetics (formerly Invitae), Labcorp
Classification: Uncertain significance. Last evaluated: 2024-10-24. Review status: criteria provided, single submitter. Criteria: Invitae Variant Classification Sherloc (09022015). Collection method: clinical testing. Allele origin: germline.
Comment: This sequence change replaces histidine, which is basic and polar, with glutamine, which is neutral and polar, at codon 1982 of the ARID1B protein (p.His1982Gln). This variant is not present in population databases (gnomAD no frequency). This variant has not been reported in the literature in individuals affected with ARID1B-related conditions. Invitae Evidence Modeling of protein sequence and biophysical properties (such as structural, functional, and spatial information, amino acid conservation, physicochemical variation, residue mobility, and thermodynamic stability) indicates that this missense variant is not expected to disrupt ARID1B protein function with a negative predictive value of 95%. In summary, the available evidence is currently insufficient to determine the role of this variant in disease. Therefore, it has been classified as a Variant of Uncertain Significance.